The following is an entry in ClinVar:

NM_016121.5(KCTD3):c.1884_1886dup (p.Ser629_Leu630insSer)

Gene: KCTD3 (potassium channel tetramerization domain containing 3; plus strand). Cytogenetic location: 1q41.
Variant type: Duplication.
Coding change: c.1884_1886dup on transcript NM_016121.5 (MANE Select); coding-DNA positions 1884 to 1886, 3 bases duplicated (TAG; older notation c.1884_1886dupTAG).
Protein change: p.Ser629_Leu630insSer.
Genome position (GRCh38, 1-based): chr1:215,619,289-215,619,291, TAG duplicated. VCF-style (leftmost placement, unchanged base first): chr1-215619288-C-CTAG. GRCh37 (hg19) VCF-style: chr1-215792630-C-CTAG.
Other names: c.1878_1880dup, p.Ser627_Leu628insSer (NM_001319294.2); c.1572_1574dup, p.Ser525_Leu526insSer (NM_001319295.2).
Identifiers: ClinVar variation 3042049 (VCV003042049.2), dbSNP rs775634223, ClinGen allele CA1392473.
Genomic context (GRCh38, chr1:215,619,288, plus strand): 5'-CTCCTAACATCAGTCCAGCAACTTCCGTAGTTCAGCATAGCCACTTACGAGAATCAAATT[C>CTAG]TAGGTAGGTTAAAGAGTTGGGTATTATAAACAAAATTTATTTCTTTTGGGGAAATTGACT-3'

ClinVar aggregate classification (germline): Likely benign (0 of 4 stars; one submission).

Conditions:
KCTD3-related disorder. Also called: KCTD3-related condition.

Allele frequency attached by ClinVar (database versions not stated): TOPMed 0.00039; gnomAD exomes 0.00045; ESP Exome Variant Server 0.00048; gnomAD 0.00048; ExAC 0.00056.

Submission:

PreventionGenetics, part of Exact Sciences
Classification: Likely benign for KCTD3-related condition. Last evaluated: 2023-03-24. Review status: no assertion criteria provided. Collection method: clinical testing. Allele origin: germline.
Comment: This variant is classified as likely benign based on ACMG/AMP sequence variant interpretation guidelines (Richards et al. 2015 PMID: 25741868, with internal and published modifications).